The following is an entry in ClinVar:

ClinVar aggregate classification (germline): Likely pathogenic (1 of 4 stars; one submission).

Conditions:
Developmental and epileptic encephalopathy, 2 (DEE2). Also called: INFANTILE SPASM SYNDROME, X-LINKED 2; CDKL5 deficiency disorder. Identifiers: Orphanet 1934, Orphanet 3451, Orphanet 505652, MedGen C4750718, MONDO:0010396, OMIM 300672.

Submission:

Neuberg Centre For Genomic Medicine, NCGM
Classification: Likely pathogenic for Developmental and epileptic encephalopathy, 2. Review status: criteria provided, single submitter. Criteria: ACMG Guidelines, 2015. Collection method: clinical testing. Allele origin: germline. Inheritance: X-linked inheritance. Affected: yes.
Comment: The frameshift deletion p.H489Qfs*8 in CDKL5 (NM_003159.3) has not been reported previously as a pathogenic variant nor as a benign variant, to our knowledge. The p.H489Qfs*8 variant is novel (not in any individuals) in gnomAD Exomes and is novel (not in any individuals) in 1000 Genomes. This variant is predicted to cause loss of normal protein function through protein truncation. Loss of function variants have been previously reported to be disease causing. For these reasons, this variant has been classified as Likely Pathogenic.

NM_001323289.2(CDKL5):c.1467_1486del (p.His489fs)

Gene: CDKL5 (cyclin dependent kinase like 5; plus strand). Cytogenetic location: Xp22.13.
Variant type: Deletion.
Coding change: c.1467_1486del on transcript NM_001323289.2 (MANE Select); coding-DNA positions 1467 to 1486, 20 bases deleted (TGGGGCACTGAGTGACTCCA).
Protein change: p.His489fs; shifts the reading frame from histidine 489.
Molecular consequence: frameshift variant.
Genome position (GRCh38, 1-based): chrX:18,604,391-18,604,410, TGGGGCACTGAGTGACTCCA deleted; deleting any 20 consecutive bases within chrX:18,604,388-18,604,410 gives the same sequence; the c. name uses the placement nearest the transcript's 3' end. VCF-style (leftmost placement, unchanged base first): chrX-18604387-GCCATGGGGCACTGAGTGACT-G. GRCh37 (hg19) VCF-style: chrX-18622507-GCCATGGGGCACTGAGTGACT-G.
Other names: c.1467_1486del, p.His489fs (NM_001037343.2, NM_003159.3); short protein forms H489fs.
Identifiers: ClinVar variation 2585484 (VCV002585484.1), dbSNP rs2518874564, ClinGen allele CA2582342894.